The following is an entry in ClinVar:

NM_024649.5(BBS1):c.1139G>T (p.Arg380Leu)

Genes: BBS1 (Bardet-Biedl syndrome 1; plus strand), ZDHHC24 (zDHHC palmitoyltransferase 24; minus strand). Cytogenetic location: 11q13.2.
Variant type: single nucleotide variant.
Coding change: c.1139G>T on transcript NM_024649.5 (MANE Select); coding-DNA position 1139, G replaced by T.
Protein change: p.Arg380Leu; replaces arginine 380 with leucine.
Molecular consequence: missense variant. On other transcripts: intron variant (1).
Genome position (GRCh38, 1-based): chr11:66,526,151, G>T. VCF-style: chr11-66526151-G-T. GRCh37 (hg19) VCF-style: chr11-66293622-G-T.
Other names: c.*21+785C>A (NM_001348571.2); short protein forms R380L.
Identifiers: ClinVar variation 2153637 (VCV002153637.1), dbSNP rs758139447, ClinGen allele CA381422200.
Genomic context (GRCh38, chr11:66,526,151, plus strand): 5'-TTCCCCAACTAAACTCTGACGTCTCCACATAGGATGCAGTGACCAGCCTTTGCTTTGGCC[G>T]GTACGGGCGGGAGGACAACACCCTCATCATGACCACTCGAGGTGAGTGGAGTCAGACCTG-3'
Protein context (NP_078925.3, residues 370-390): PDAVTSLCFG[Arg380Leu]YGREDNTLIM

ClinVar aggregate classification (germline): Uncertain significance (1 of 4 stars; one submission).

Conditions:
Bardet-Biedl syndrome (BBS). Identifiers: Orphanet 110, MedGen C0752166, MONDO:0015229.

gnomAD v4.1: 2 of 1,614,050 alleles (0.00012%); highest among the groups gnomAD compares: African/African-American, 0.0027%; no homozygotes.

Submission:

Labcorp Genetics (formerly Invitae), Labcorp
Classification: Uncertain significance for Bardet-Biedl syndrome. Last evaluated: 2025-04-16. Review status: criteria provided, single submitter. Criteria: Invitae Variant Classification Sherloc (09022015). Collection method: clinical testing. Allele origin: germline.
Comment: This sequence change replaces arginine, which is basic and polar, with leucine, which is neutral and non-polar, at codon 380 of the BBS1 protein (p.Arg380Leu). This variant is present in population databases (no rsID available, gnomAD 0.01%). This variant has not been reported in the literature in individuals affected with BBS1-related conditions. ClinVar contains an entry for this variant (Variation ID: 2153637). Invitae Evidence Modeling of protein sequence and biophysical properties (such as structural, functional, and spatial information, amino acid conservation, physicochemical variation, residue mobility, and thermodynamic stability) has been performed for this missense variant. However, the output from this modeling did not meet the statistical confidence thresholds required to predict the impact of this variant on BBS1 protein function. In summary, the available evidence is currently insufficient to determine the role of this variant in disease. Therefore, it has been classified as a Variant of Uncertain Significance.